The following is an entry in ClinVar:

ClinVar aggregate classification (germline): Uncertain significance (1 of 4 stars; one submission).

Allele frequency attached by ClinVar (database versions not stated): gnomAD exomes below 0.00001; TOPMed 0.00001; gnomAD 0.00003.
gnomAD v4.1: 6 of 1,612,240 alleles (0.00037%); highest among the groups gnomAD compares: Middle Eastern, 0.016%; no homozygotes.

Submission:

Labcorp Genetics (formerly Invitae), Labcorp
Classification: Uncertain significance. Last evaluated: 2023-06-20. Review status: criteria provided, single submitter. Criteria: Invitae Variant Classification Sherloc (09022015). Collection method: clinical testing. Allele origin: germline.
Comment: This variant is not present in population databases (gnomAD no frequency). This sequence change falls in intron 17 of the POLR1A gene. It does not directly change the encoded amino acid sequence of the POLR1A protein. This variant has not been reported in the literature in individuals affected with POLR1A-related conditions. Algorithms developed to predict the effect of sequence changes on RNA splicing suggest that this variant may create or strengthen a splice site. In summary, the available evidence is currently insufficient to determine the role of this variant in disease. Therefore, it has been classified as a Variant of Uncertain Significance.

NM_015425.6(POLR1A):c.2475+10G>T

Gene: POLR1A (RNA polymerase I subunit A; minus strand). Cytogenetic location: 2p11.2.
Variant type: single nucleotide variant.
Coding change: c.2475+10G>T on transcript NM_015425.6 (MANE Select); 10 bases into the intron after coding-DNA position 2475, G replaced by T.
Molecular consequence: intron variant.
Genome position (GRCh38, 1-based): chr2:86,049,150, C>A on the plus strand (G>T on the coding strand, the complement: POLR1A is on the minus strand). VCF-style: chr2-86049150-C-A. GRCh37 (hg19) VCF-style: chr2-86276273-C-A.
Identifiers: ClinVar variation 2914793 (VCV002914793.3), dbSNP rs1433940882, ClinGen allele CA894027329.